The following is an entry in ClinVar:

NM_152475.3(ZNF417):c.789T>C (p.Thr263=)

Gene: ZNF417 (zinc finger protein 417; minus strand). Cytogenetic location: 19q13.43.
Variant type: single nucleotide variant.
Coding change: c.789T>C on transcript NM_152475.3 (MANE Select); coding-DNA position 789, T replaced by C.
Protein change: p.Thr263=; no amino-acid change (threonine 263 retained).
Molecular consequence: synonymous variant.
Genome position (GRCh38, 1-based): chr19:57,909,489, A>G on the plus strand (T>C on the coding strand, the complement: ZNF417 is on the minus strand). VCF-style: chr19-57909489-A-G. GRCh37 (hg19) VCF-style: chr19-58420857-A-G.
Other names: c.786T>C, p.Thr262= (NM_001297734.2).
Identifiers: ClinVar variation 3067242 (VCV003067242.21), dbSNP rs780558799, ClinGen allele CA9707971.

ClinVar aggregate classification (germline): Likely benign (1 of 4 stars; one submission).

Allele frequency attached by ClinVar (database versions not stated): TOPMed 0.00002; ExAC 0.00004; gnomAD exomes 0.00005.

Submission:

CeGaT Center for Human Genetics Tuebingen
Classification: Likely benign. Last evaluated: 2024-03-01. Review status: criteria provided, single submitter. Criteria: CeGaT Center For Human Genetics Tuebingen Variant Classification Criteria Version 2. Collection method: clinical testing. Allele origin: germline. Affected: yes. Observed: 1 variant allele.
Comment: ZNF417: BP4, BP7